The following is an entry in ClinVar:

ClinVar aggregate classification (germline): Pathogenic (1 of 4 stars; one submission).

Conditions:
Dilated cardiomyopathy 1M (CMD1M). Identifiers: Orphanet 154, MedGen C1843808, MONDO:0011840, OMIM 607482.
Hypertrophic cardiomyopathy 12. Identifiers: MedGen C2677491, MONDO:0012804, OMIM 612124.

Submission:

Labcorp Genetics (formerly Invitae), Labcorp
Classification: Pathogenic for Hypertrophic cardiomyopathy 12; Dilated cardiomyopathy 1M. Last evaluated: 2025-11-11. Review status: criteria provided, single submitter. Criteria: Invitae Variant Classification Sherloc (09022015). Collection method: clinical testing. Allele origin: germline.
Comment: This sequence change is expected to alter the c-terminus of the CSRP3 protein (p.Arg100Alafs*108). While this is not anticipated to result in nonsense mediated decay, it is expected to disrupt the last 95 amino acid(s) of the CSRP3 protein and extend the protein by 12 additional amino acid residues. This variant is not present in population databases (gnomAD no frequency). This variant has not been reported in the literature in individuals affected with CSRP3-related conditions. This variant disrupts a region of the CSRP3 protein in which other variant(s) (p.Cys150Tyr) have been determined to be pathogenic (PMID: 23396983, 25351510, 33035702). This suggests that this is a clinically significant region of the protein, and that variants that disrupt it are likely to be disease-causing. For these reasons, this variant has been classified as Pathogenic.

Literature cited by the submitters: PubMed 23396983; PubMed 25351510; PubMed 33035702.

NM_003476.5(CSRP3):c.298del (p.Arg100fs)

Gene: CSRP3 (cysteine and glycine rich protein 3; minus strand). Cytogenetic location: 11p15.1.
Variant type: Deletion.
Coding change: c.298del on transcript NM_003476.5 (MANE Select); coding-DNA position 298, one base deleted (C; older notation c.298delC).
Protein change: p.Arg100fs; shifts the reading frame from arginine 100.
Molecular consequence: frameshift variant.
Genome position (GRCh38, 1-based): chr11:19,186,332, G deleted on the plus strand (C on the coding strand, the reverse complement: CSRP3 is on the minus strand). VCF-style (leftmost placement, unchanged base first): chr11-19186331-CG-C. GRCh37 (hg19) VCF-style: chr11-19207878-CG-C.
Other names: c.129del, p.His43fs (NM_001369404.1); short protein forms R100fs, H43fs.
Identifiers: ClinVar variation 4786672 (VCV004786672.1).